The following is an entry in ClinVar:

ClinVar aggregate classification (germline): Likely benign (0 of 4 stars; one submission).

Conditions:
HNF1B-related disorder. Also called: HNF1B-related disorders; HNF1B-related condition.

Submission:

PreventionGenetics, part of Exact Sciences
Classification: Likely benign for HNF1B-related condition. Last evaluated: 2021-03-17. Review status: no assertion criteria provided. Collection method: clinical testing. Allele origin: germline.
Comment: This variant is classified as likely benign based on ACMG/AMP sequence variant interpretation guidelines (Richards et al. 2015 PMID: 25741868, with internal and published modifications).

NM_000458.4(HNF1B):c.1339+10del

Gene: HNF1B (HNF1 homeobox B; minus strand). Cytogenetic location: 17q12.
Variant type: Deletion.
Coding change: c.1339+10del on transcript NM_000458.4 (MANE Select); 10 bases into the intron after coding-DNA position 1339, one base deleted (A; older notation c.1339+10delA).
Molecular consequence: intron variant.
Genome position (GRCh38, 1-based): chr17:37,704,907, T deleted on the plus strand (A on the coding strand, the reverse complement: HNF1B is on the minus strand). VCF-style (leftmost placement, unchanged base first): chr17-37704906-AT-A. GRCh37 (hg19) VCF-style: chr17-36064913-AT-A.
Other names: c.1261+10del (NM_001304286.2, NM_001165923.4); c.1339+10del (NM_001411100.1).
Identifiers: ClinVar variation 3032587 (VCV003032587.2), dbSNP rs2511709457, ClinGen allele CA2740095326.